The following is an entry in ClinVar:

NM_001029883.3(PCARE):c.1285G>A (p.Glu429Lys)

Gene: PCARE (photoreceptor cilium actin regulator; minus strand). Cytogenetic location: 2p23.2.
Variant type: single nucleotide variant.
Coding change: c.1285G>A on transcript NM_001029883.3 (MANE Select); coding-DNA position 1285, G replaced by A.
Protein change: p.Glu429Lys; replaces glutamic acid 429 with lysine.
Molecular consequence: missense variant.
Genome position (GRCh38, 1-based): chr2:29,072,977, C>T on the plus strand (G>A on the coding strand, the complement: PCARE is on the minus strand). VCF-style: chr2-29072977-C-T. GRCh37 (hg19) VCF-style: chr2-29295843-C-T.
Other names: short protein forms E429K.
Identifiers: ClinVar variation 74571 (VCV000074571.7), dbSNP rs199580720, ClinGen allele CA1592459.
Genomic context (GRCh38, chr2:29,072,977, plus strand): 5'-TCAAAGGTGGGGAGGTGATATTTTCTGGGCTTGTACTGGAGAGGCATGGGCTCCTTGCTT[C>T]GTCCTGTGCTCGTGGCTGAACCTTTGCCATAGGAGCCCCTGAGAGCAGGCAGTCCTGGGG-3'
Protein context (NP_001025054.1, residues 419-439): MAKVQPRAQD[Glu429Lys]ARSPCLSSTS

ClinVar aggregate classification (germline): Conflicting classifications of pathogenicity. Review status: criteria provided, conflicting classifications (1 of 4 stars). 3 submissions from 3 submitters: Uncertain significance (1); Likely benign (2). Last evaluated 2025-03-12.

Conditions:
PCARE-related disorder. Also called: PCARE-related condition.

Allele frequency attached by ClinVar (database versions not stated): ExAC 0.00022; 1000 Genomes Project 30x 0.00031; 1000 Genomes Project 0.00040; TOPMed 0.00053; gnomAD 0.00064 and 0.00068; ESP Exome Variant Server 0.00065.

Submissions (3):

PreventionGenetics, part of Exact Sciences
Classification: Likely benign for PCARE-related condition. Last evaluated: 2025-03-12. Review status: criteria provided, single submitter. Criteria: ACMG Guidelines, 2015. Collection method: clinical testing. Allele origin: germline.
Comment: This variant is classified as likely benign based on ACMG/AMP sequence variant interpretation guidelines (Richards et al. 2015 PMID: 25741868, with internal and published modifications).

Labcorp Genetics (formerly Invitae), Labcorp
Classification: Uncertain significance. Last evaluated: 2024-12-16. Review status: criteria provided, single submitter. Criteria: Invitae Variant Classification Sherloc (09022015). Collection method: clinical testing. Allele origin: germline.
Comment: This sequence change replaces glutamic acid, which is acidic and polar, with lysine, which is basic and polar, at codon 429 of the PCARE protein (p.Glu429Lys). This variant is present in population databases (rs199580720, gnomAD 0.2%). This variant has not been reported in the literature in individuals affected with PCARE-related conditions. ClinVar contains an entry for this variant (Variation ID: 74571). An algorithm developed to predict the effect of missense changes on protein structure and function outputs the following: PolyPhen-2: "Benign". The lysine amino acid residue is found in multiple mammalian species, which suggests that this missense change does not adversely affect protein function. In summary, the available evidence is currently insufficient to determine the role of this variant in disease. Therefore, it has been classified as a Variant of Uncertain Significance.

Blueprint Genetics
Classification: Likely benign. Last evaluated: 2024-03-19. Review status: criteria provided, single submitter. Criteria: ACMG Guidelines, 2015. Collection method: clinical testing. Allele origin: germline.